The following is an entry in ClinVar:

ClinVar aggregate classification (germline): Uncertain significance (1 of 4 stars; one submission).

Conditions:
Hereditary cancer-predisposing syndrome. Also called: Neoplastic Syndromes, Hereditary; Tumor predisposition; Hereditary Cancer Syndrome; Hereditary neoplastic syndrome. Identifiers: Orphanet 140162, MedGen C0027672, MeSH D009386, MONDO:0015356.

Submission:

Ambry Genetics
Classification: Uncertain significance for Hereditary cancer-predisposing syndrome. Last evaluated: 2020-05-12. Review status: criteria provided, single submitter. Criteria: Ambry Variant Classification Scheme 2023. Collection method: clinical testing. Allele origin: germline.
Comment: The c.734_746dup13 variant, located in coding exon 3 of the XRCC2 gene, results from a duplication of ATGATTCTCAAAG at nucleotide position 734, causing a translational frameshift with a predicted alternate stop codon (p.S249Rfs*2). Frameshifts are typically deleterious in nature, however, this frameshift occurs at the 3' terminus of XRCC2, is not expected to trigger nonsense-mediated mRNA decay, and impacts only the last 32 amino acids of the protein. The exact functional impact of these altered amino acids is unknown at this time. Since supporting evidence is limited at this time, the clinical significance of this alteration remains unclear.

NM_005431.2(XRCC2):c.734_746dup (p.Ser249delinsArgTer)

Gene: XRCC2 (X-ray repair cross complementing 2; minus strand). Cytogenetic location: 7q36.1.
Variant type: Duplication.
Coding change: c.734_746dup on transcript NM_005431.2 (MANE Select); coding-DNA positions 734 to 746, 13 bases duplicated (ATGATTCTCAAAG).
Protein change: p.Ser249delinsArgTer.
Molecular consequence: nonsense.
Genome position (GRCh38, 1-based): chr7:152,648,739-152,648,751, CTTTGAGAATCAT duplicated on the plus strand (ATGATTCTCAAAG on the coding strand, the reverse complement: XRCC2 is on the minus strand); duplicating any 13 consecutive bases within chr7:152,648,739-152,648,754 gives the same sequence; the c. name uses the placement nearest the transcript's 3' end. VCF-style (leftmost placement, unchanged base first): chr7-152648738-G-GCTTTGAGAATCAT. GRCh37 (hg19) VCF-style: chr7-152345823-G-GCTTTGAGAATCAT.
Identifiers: ClinVar variation 1758415 (VCV001758415.2), dbSNP rs2485880343, ClinGen allele CA2579071949.